The following is an entry in ClinVar:

NM_024009.3(GJB3):c.589G>C (p.Val197Leu)

Gene: GJB3 (gap junction protein beta 3; plus strand). Cytogenetic location: 1p34.3.
Variant type: single nucleotide variant.
Coding change: c.589G>C on transcript NM_024009.3 (MANE Select); coding-DNA position 589, G replaced by C.
Protein change: p.Val197Leu; replaces valine 197 with leucine.
Molecular consequence: missense variant.
Genome position (GRCh38, 1-based): chr1:34,785,351, G>C. VCF-style: chr1-34785351-G-C. GRCh37 (hg19) VCF-style: chr1-35250952-G-C.
Other names: c.589G>C, p.Val197Leu (NM_001005752.2); short protein forms V197L.
Identifiers: ClinVar variation 4990609 (VCV004990609.1).

ClinVar aggregate classification (germline): Uncertain significance (1 of 4 stars; one submission).

Conditions:
GJB3-related disorder. Also called: GJB3-related condition.

Submission:

PreventionGenetics, part of Exact Sciences
Classification: Uncertain significance for GJB3-related condition. Last evaluated: 2025-12-17. Review status: criteria provided, single submitter. Criteria: ACMG Guidelines, 2015. Collection method: clinical testing. Allele origin: germline.
Comment: The GJB3 c.589G>C variant is predicted to result in the amino acid substitution p.Val197Leu. To our knowledge, this variant has not been reported in the literature. This variant is reported in 0.042% of alleles in individuals of South Asian descent in gnomAD. At this time, the clinical significance of this variant is uncertain due to the absence of conclusive functional and genetic evidence.